The following is an entry in ClinVar:

ClinVar aggregate classification (germline): Uncertain significance (1 of 4 stars; one submission).

Conditions:
RASopathy. Also called: rasopathies; Noonan spectrum disorder. Identifiers: Orphanet 536391, MedGen C5555857, MONDO:0021060.

Submission:

Labcorp Genetics (formerly Invitae), Labcorp
Classification: Uncertain significance for RASopathy. Last evaluated: 2025-05-23. Review status: criteria provided, single submitter. Criteria: Invitae Variant Classification Sherloc (09022015). Collection method: clinical testing. Allele origin: germline.
Comment: This sequence change replaces leucine, which is neutral and non-polar, with proline, which is neutral and non-polar, at codon 274 of the SHOC2 protein (p.Leu274Pro). This variant is not present in population databases (gnomAD no frequency). This variant has not been reported in the literature in individuals affected with SHOC2-related conditions. Invitae Evidence Modeling of protein sequence and biophysical properties (such as structural, functional, and spatial information, amino acid conservation, physicochemical variation, residue mobility, and thermodynamic stability) indicates that this missense variant is not expected to disrupt SHOC2 protein function with a negative predictive value of 80%. In summary, the available evidence is currently insufficient to determine the role of this variant in disease. Therefore, it has been classified as a Variant of Uncertain Significance.

NM_007373.4(SHOC2):c.821T>C (p.Leu274Pro)

Gene: SHOC2 (SHOC2 leucine rich repeat scaffold protein; plus strand). Cytogenetic location: 10q25.2.
Variant type: single nucleotide variant.
Coding change: c.821T>C on transcript NM_007373.4 (MANE Select); coding-DNA position 821, T replaced by C.
Protein change: p.Leu274Pro; replaces leucine 274 with proline.
Molecular consequence: missense variant. On other transcripts: 5 prime UTR variant (2), non-coding transcript variant (1), intron variant (3).
Genome position (GRCh38, 1-based): chr10:110,985,745, T>C. VCF-style: chr10-110985745-T-C. GRCh37 (hg19) VCF-style: chr10-112745503-T-C.
Other names: c.821T>C, p.Leu274Pro (NM_001324336.2, NM_001324337.2, NM_001441184.1 and 2 more transcripts); c.152T>C, p.Leu51Pro (NM_001441188.1); c.-263T>C (NM_001441190.1); c.-132T>C (NM_001441191.1); c.704-14670T>C (NM_001441186.1, NM_001269039.3); c.-242-14670T>C (NM_001441189.1); short protein forms L51P, L274P.
Identifiers: ClinVar variation 4744203 (VCV004744203.1).